The following is an entry in ClinVar:

ClinVar aggregate classification (germline): Uncertain significance (1 of 4 stars; one submission).

Submission:

Women's Health and Genetics/Laboratory Corporation of America, LabCorp
Classification: Uncertain significance. Last evaluated: 2025-11-19. Review status: criteria provided, single submitter. Criteria: LabCorp Variant Classification Summary - May 2015. Collection method: clinical testing. Allele origin: germline.
Comment: Variant summary: TRIO c.4175A>G (p.Asp1392Gly) results in a non-conservative amino acid change in the encoded protein sequence. Algorithms developed to predict the effect of missense changes on protein structure and function are either unavailable or do not agree on the potential impact of this missense change. The variant was absent in 248830 control chromosomes. The available data on variant occurrences in the general population are insufficient to allow any conclusion about variant significance. To our knowledge, no occurrence of c.4175A>G in individuals affected with TRIO-related conditions and no experimental evidence demonstrating its impact on protein function have been reported. No submitters have cited clinical-significance assessments for this variant to ClinVar. Based on the evidence outlined above, the variant was classified as uncertain significance.

NM_007118.4(TRIO):c.4175A>G (p.Asp1392Gly)

Gene: TRIO (trio Rho guanine nucleotide exchange factor; plus strand). Cytogenetic location: 5p15.2.
Variant type: single nucleotide variant.
Coding change: c.4175A>G on transcript NM_007118.4 (MANE Select); coding-DNA position 4175, A replaced by G.
Protein change: p.Asp1392Gly; replaces aspartic acid 1392 with glycine.
Molecular consequence: missense variant. On other transcripts: non-coding transcript variant (1).
Genome position (GRCh38, 1-based): chr5:14,390,947, A>G. VCF-style: chr5-14390947-A-G. GRCh37 (hg19) VCF-style: chr5-14391056-A-G.
Other names: short protein forms D1392G.
Identifiers: ClinVar variation 4537318 (VCV004537318.1).